The following is an entry in ClinVar:

ClinVar aggregate classification (germline): Uncertain significance (1 of 4 stars; one submission).

Allele frequency attached by ClinVar (database versions not stated): gnomAD exomes below 0.00001.
gnomAD v4.1: 4 of 1,609,514 alleles (0.00025%); highest among the groups gnomAD compares: Non-Finnish European, 0.00026%; no homozygotes.

Submission:

Quest Diagnostics Nichols Institute San Juan Capistrano
Classification: Uncertain significance. Last evaluated: 2023-06-07. Review status: criteria provided, single submitter. Criteria: Quest Diagnostics criteria. Collection method: clinical testing. Allele origin: unknown.
Comment: To the best of our knowledge, this variant has not been reported in individuals with FANCM-related conditions in the published literature. It also has not been reported in large, multi-ethnic general populations (Genome Aggregation Database). Analysis of this variant using bioinformatics tools for the prediction of the effect of amino acid changes on protein structure and function yielded predictions that this variant is benign. Based on the available information, we are unable to determine the clinical significance of this variant.

NM_020937.4(FANCM):c.4432T>C (p.Cys1478Arg)

Gene: FANCM (FA complementation group M; plus strand). Cytogenetic location: 14q21.2.
Variant type: single nucleotide variant.
Coding change: c.4432T>C on transcript NM_020937.4 (MANE Select); coding-DNA position 4432, T replaced by C.
Protein change: p.Cys1478Arg; replaces cysteine 1478 with arginine.
Molecular consequence: missense variant.
Genome position (GRCh38, 1-based): chr14:45,183,819, T>C. VCF-style: chr14-45183819-T-C. GRCh37 (hg19) VCF-style: chr14-45653022-T-C.
Other names: c.4354T>C, p.Cys1452Arg (NM_001308133.2); short protein forms C1452R, C1478R.
Identifiers: ClinVar variation 2681929 (VCV002681929.1), dbSNP rs2503222038, ClinGen allele CA389607634.